The following is an entry in ClinVar:

NM_006486.3(FBLN1):c.1441+5G>A

Gene: FBLN1 (fibulin 1; plus strand). Cytogenetic location: 22q13.31.
Variant type: single nucleotide variant.
Coding change: c.1441+5G>A on transcript NM_006486.3 (MANE Select); 5 bases into the intron after coding-DNA position 1441, G replaced by A.
Molecular consequence: intron variant.
Genome position (GRCh38, 1-based): chr22:45,547,209, G>A. VCF-style: chr22-45547209-G-A. GRCh37 (hg19) VCF-style: chr22-45943089-G-A.
Other names: c.1441+5G>A (NM_006485.4, NM_001996.4, NM_006487.3).
Identifiers: ClinVar variation 501574 (VCV000501574.7), dbSNP rs201120975, ClinGen allele CA10286946.

ClinVar aggregate classification (germline): Uncertain significance. Review status: criteria provided, multiple submitters, no conflicts (2 of 4 stars). 2 submissions from 2 submitters: Uncertain significance (2). Last evaluated 2024-09-23.

Allele frequency attached by ClinVar (database versions not stated): ExAC 0.00007; gnomAD exomes 0.00008 and 0.00010; TOPMed 0.00011; 1000 Genomes Project 30x 0.00016; gnomAD 0.00017; 1000 Genomes Project 0.00020; ESP Exome Variant Server 0.00031.
gnomAD v4.1: 145 of 1,613,488 alleles (0.009%); highest among the groups gnomAD compares: African/African-American, 0.027%; no homozygotes.

Submissions (2):

Labcorp Genetics (formerly Invitae), Labcorp
Classification: Uncertain significance. Last evaluated: 2024-09-23. Review status: criteria provided, single submitter. Criteria: Invitae Variant Classification Sherloc (09022015). Collection method: clinical testing. Allele origin: germline.
Comment: This sequence change falls in intron 12 of the FBLN1 gene. It does not directly change the encoded amino acid sequence of the FBLN1 protein. It affects a nucleotide within the consensus splice site. This variant is present in population databases (rs201120975, gnomAD 0.05%). This variant has not been reported in the literature in individuals affected with FBLN1-related conditions. ClinVar contains an entry for this variant (Variation ID: 501574). Variants that disrupt the consensus splice site are a relatively common cause of aberrant splicing (PMID: 17576681, 9536098). Algorithms developed to predict the effect of sequence changes on RNA splicing suggest that this variant is not likely to affect RNA splicing. In summary, the available evidence is currently insufficient to determine the role of this variant in disease. Therefore, it has been classified as a Variant of Uncertain Significance.

Eurofins Ntd Llc (ga)
Classification: Uncertain significance. Last evaluated: 2017-04-28. Review status: criteria provided, single submitter. Criteria: EGL Classification Definitions 2015. Collection method: clinical testing. Allele origin: germline. Observed: 1 variant allele, 1 heterozygote.

Literature cited by the submitters: PubMed 17576681 (cited by Labcorp Genetics (formerly Invitae), Labcorp); PubMed 9536098 (cited by Labcorp Genetics (formerly Invitae), Labcorp).